The following is an entry in ClinVar:

ClinVar aggregate classification (germline): Likely benign. Review status: criteria provided, single submitter (1 of 4 stars). 2 submissions from 2 submitters: Likely benign (1). 1 of the submissions does not count toward it. Last evaluated 2018-01-12.

Conditions:
COLEC11-related disorder. Also called: COLEC11-related condition.

Allele frequency attached by ClinVar (database versions not stated): TOPMed 0.00032; gnomAD 0.00032; 1000 Genomes Project 0.00140; 1000 Genomes Project 30x 0.00109.
gnomAD v4.1: 278 of 1,609,216 alleles (0.017%); highest among the groups gnomAD compares: East Asian, 0.52%; 1 homozygote.

Submissions (2):

Labcorp Genetics (formerly Invitae), Labcorp
Classification: Likely benign. Last evaluated: 2018-01-12. Review status: criteria provided, single submitter. Criteria: Invitae Variant Classification Sherloc (09022015). Collection method: clinical testing. Allele origin: germline.

PreventionGenetics, part of Exact Sciences
Classification: Likely benign for COLEC11-related condition. Last evaluated: 2020-08-10. Review status: no assertion criteria provided. Collection method: clinical testing. Allele origin: germline. Not counted in ClinVar's aggregate classification.
Comment: This variant is classified as likely benign based on ACMG/AMP sequence variant interpretation guidelines (Richards et al. 2015 PMID: 25741868, with internal and published modifications).

NM_024027.5(COLEC11):c.169C>T (p.Arg57Trp)

Gene: COLEC11 (collectin subfamily member 11; plus strand). Cytogenetic location: 2p25.3.
Variant type: single nucleotide variant.
Coding change: c.169C>T on transcript NM_024027.5 (MANE Select); coding-DNA position 169, C replaced by T.
Protein change: p.Arg57Trp; replaces arginine 57 with tryptophan.
Molecular consequence: missense variant. On other transcripts: synonymous variant (1), non-coding transcript variant (1), intron variant (4).
Genome position (GRCh38, 1-based): chr2:3,613,349, C>T. VCF-style: chr2-3613349-C-T. GRCh37 (hg19) VCF-style: chr2-3660939-C-T.
Other names: c.169C>T, p.Arg57Trp (NM_001255983.2); c.211C>T, p.Arg71Trp (NM_001255985.1); c.91C>T, p.Arg31Trp (NM_001255986.1, NM_001255988.1); c.81C>T, p.Asp27= (NM_199235.3); c.130+8879C>T (NM_001255982.2, NM_001255984.2); c.52+7106C>T (NM_001255987.1, NM_001255989.1); short protein forms R57W, R71W, R31W.
Identifiers: ClinVar variation 732765 (VCV000732765.5), dbSNP rs148207876, ClinGen allele CA1516875.